The following is an entry in ClinVar:

ClinVar aggregate classification (germline): Uncertain significance (1 of 4 stars; one submission).

Submission:

Mayo Clinic Laboratories, Mayo Clinic
Classification: Uncertain significance. Last evaluated: 2025-09-03. Review status: criteria provided, single submitter. Criteria: ACMG Guidelines, 2015. Collection method: clinical testing. Allele origin: germline. Observed: 1 variant allele.
Comment: BP4_moderate, PM2_supporting

NM_000090.4(COL3A1):c.1086T>G (p.Asn362Lys)

Gene: COL3A1 (collagen type III alpha 1 chain; plus strand). Cytogenetic location: 2q32.2.
Variant type: single nucleotide variant.
Coding change: c.1086T>G on transcript NM_000090.4 (MANE Select); coding-DNA position 1086, T replaced by G.
Protein change: p.Asn362Lys; replaces asparagine 362 with lysine.
Molecular consequence: missense variant.
Genome position (GRCh38, 1-based): chr2:188,993,396, T>G. VCF-style: chr2-188993396-T-G. GRCh37 (hg19) VCF-style: chr2-189858122-T-G.
Other names: p.Asn362Lys; short protein forms N362K.
Identifiers: ClinVar variation 4540778 (VCV004540778.1).